The following is an entry in ClinVar:

NM_001253697.2(ERBIN):c.830A>C (p.Asn277Thr)

Gene: ERBIN (erbb2 interacting protein; plus strand). Cytogenetic location: 5q12.3.
Variant type: single nucleotide variant.
Coding change: c.830A>C on transcript NM_001253697.2 (MANE Select); coding-DNA position 830, A replaced by C.
Protein change: p.Asn277Thr; replaces asparagine 277 with threonine.
Molecular consequence: missense variant.
Genome position (GRCh38, 1-based): chr5:66,025,492, A>C. VCF-style: chr5-66025492-A-C. GRCh37 (hg19) VCF-style: chr5-65321320-A-C.
Other names: c.830A>C, p.Asn277Thr (NM_001006600.3, NM_001253698.2, NM_001253699.2 and 2 more transcripts); c.830A>C (NM_001006600.2); short protein forms N277T.
Identifiers: ClinVar variation 1160403 (VCV001160403.11), dbSNP rs74362544, ClinGen allele CA3286062.

ClinVar aggregate classification (germline): Likely benign. Review status: criteria provided, single submitter (1 of 4 stars). 2 submissions from 2 submitters: Likely benign (1). 1 of the submissions does not count toward it. Last evaluated 2025-12-01.

Conditions:
ERBIN-related disorder. Also called: ERBIN-related condition.

Allele frequency attached by ClinVar (database versions not stated): gnomAD exomes 0.00041; ExAC 0.00058; 1000 Genomes Project 30x 0.00109; 1000 Genomes Project 0.00140; gnomAD 0.00144 and 0.00157; ESP Exome Variant Server 0.00192; TOPMed 0.00193.
gnomAD v4.1: 457 of 1,611,868 alleles (0.028%); highest among the groups gnomAD compares: African/African-American, 0.56%; 3 homozygotes.

Submissions (2):

Labcorp Genetics (formerly Invitae), Labcorp
Classification: Likely benign. Last evaluated: 2025-12-01. Review status: criteria provided, single submitter. Criteria: Invitae Variant Classification Sherloc (09022015). Collection method: clinical testing. Allele origin: germline.

PreventionGenetics, part of Exact Sciences
Classification: Likely benign for ERBIN-related condition. Last evaluated: 2022-07-25. Review status: no assertion criteria provided. Collection method: clinical testing. Allele origin: germline. Not counted in ClinVar's aggregate classification.
Comment: This variant is classified as likely benign based on ACMG/AMP sequence variant interpretation guidelines (Richards et al. 2015 PMID: 25741868, with internal and published modifications).